The following is an entry in ClinVar:

NM_053025.4(MYLK):c.3181T>C (p.Ser1061Pro)

Gene: MYLK (myosin light chain kinase; minus strand). Cytogenetic location: 3q21.1.
Variant type: single nucleotide variant.
Coding change: c.3181T>C on transcript NM_053025.4 (MANE Select); coding-DNA position 3181, T replaced by C.
Protein change: p.Ser1061Pro; replaces serine 1061 with proline.
Molecular consequence: missense variant.
Genome position (GRCh38, 1-based): chr3:123,700,287, A>G on the plus strand (T>C on the coding strand, the complement: MYLK is on the minus strand). VCF-style: chr3-123700287-A-G. GRCh37 (hg19) VCF-style: chr3-123419134-A-G.
Other names: c.2653T>C, p.Ser885Pro (NM_001321309.2); c.2974T>C, p.Ser992Pro (NM_053026.4, NM_053028.4); c.3181T>C, p.Ser1061Pro (NM_053027.4); short protein forms S1061P, S885P, S992P.
Identifiers: ClinVar variation 1320861 (VCV001320861.2), dbSNP rs2108578854, ClinGen allele CA354229887.

ClinVar aggregate classification (germline): Uncertain significance (1 of 4 stars; one submission).

Submission:

GeneDx
Classification: Uncertain significance. Last evaluated: 2019-08-15. Review status: criteria provided, single submitter. Criteria: GeneDx Variant Classification Process June 2021. Collection method: clinical testing. Allele origin: germline. Affected: yes.
Comment: Has not been previously published as pathogenic or benign to our knowledge; Not observed in large population cohorts (Lek et al., 2016); In silico analysis, which includes protein predictors and evolutionary conservation, supports that this variant does not alter protein structure/function